The following is an entry in ClinVar:

ClinVar aggregate classification (germline): Uncertain significance (1 of 4 stars; one submission).

Submission:

Ambry Genetics
Classification: Uncertain significance. Last evaluated: 2025-02-14. Review status: criteria provided, single submitter. Criteria: Ambry Variant Classification Scheme 2023. Collection method: clinical testing. Allele origin: germline.
Comment: The p.G219S variant (also known as c.655G>A), located in coding exon 3 of the GFI1 gene, results from a G to A substitution at nucleotide position 655. The glycine at codon 219 is replaced by serine, an amino acid with similar properties. This amino acid position is conserved. In addition, this alteration is predicted to be tolerated by in silico analysis. Based on the available evidence, the clinical significance of this variant remains unclear.

NM_005263.5(GFI1):c.655G>A (p.Gly219Ser)

Gene: GFI1 (growth factor independent 1 transcriptional repressor; minus strand). Cytogenetic location: 1p22.1.
Variant type: single nucleotide variant.
Coding change: c.655G>A on transcript NM_005263.5 (MANE Select); coding-DNA position 655, G replaced by A.
Protein change: p.Gly219Ser; replaces glycine 219 with serine.
Molecular consequence: missense variant.
Genome position (GRCh38, 1-based): chr1:92,480,732, C>T on the plus strand (G>A on the coding strand, the complement: GFI1 is on the minus strand). VCF-style: chr1-92480732-C-T. GRCh37 (hg19) VCF-style: chr1-92946289-C-T.
Other names: c.655G>A, p.Gly219Ser (NM_001127215.3, NM_001127216.3); short protein forms G219S.
Identifiers: ClinVar variation 3853721 (VCV003853721.1).
Genomic context (GRCh38, chr1:92,480,732, plus strand): 5'-CCTTGACGCCAGCGCCCTTGTCTGCGTGCAGCCCGTGGCCACGCTCGGGGTACAGCAAGC[C>T]CGCCGCTGCCGTGGGCCTCTCATACAGCCCGGCTGCCGCAGACCCGAAGTCGCCGTAGAG-3'
Protein context (NP_005254.2, residues 209-229): GLYERPTAAA[Gly219Ser]LLYPERGHGL